The following is an entry in ClinVar:

NM_000057.4(BLM):c.3094A>T (p.Asn1032Tyr)

Gene: BLM (BLM RecQ like helicase; plus strand). Cytogenetic location: 15q26.1.
Variant type: single nucleotide variant.
Coding change: c.3094A>T on transcript NM_000057.4 (MANE Select); coding-DNA position 3094, A replaced by T.
Protein change: p.Asn1032Tyr; replaces asparagine 1032 with tyrosine.
Molecular consequence: missense variant.
Genome position (GRCh38, 1-based): chr15:90,794,241, A>T. VCF-style: chr15-90794241-A-T. GRCh37 (hg19) VCF-style: chr15-91337471-A-T.
Other names: c.3094A>T, p.Asn1032Tyr (NM_001287246.2, NM_001287247.2); c.1969A>T, p.Asn657Tyr (NM_001287248.2); short protein forms N657Y, N1032Y.
Identifiers: ClinVar variation 822852 (VCV000822852.14), dbSNP rs1311585637, ClinGen allele CA393846822.

ClinVar aggregate classification (germline): Uncertain significance. Review status: criteria provided, multiple submitters, no conflicts (2 of 4 stars). 2 submissions from 2 submitters: Uncertain significance (2). Last evaluated 2025-08-13.

Conditions:
Bloom syndrome (BLM). Also called: Bloom-Torre-Machacek syndrome. Identifiers: Orphanet 125, MedGen C0005859, MONDO:0008876, OMIM 210900.
Hereditary cancer-predisposing syndrome. Also called: Tumor predisposition; Hereditary Cancer Syndrome; Neoplastic Syndromes, Hereditary; Hereditary neoplastic syndrome. Identifiers: Orphanet 140162, MedGen C0027672, MeSH D009386, MONDO:0015356.

Submissions (2):

Labcorp Genetics (formerly Invitae), Labcorp
Classification: Uncertain significance for Bloom syndrome. Last evaluated: 2025-08-13. Review status: criteria provided, single submitter. Criteria: Invitae Variant Classification Sherloc (09022015). Collection method: clinical testing. Allele origin: germline.
Comment: This sequence change replaces asparagine, which is neutral and polar, with tyrosine, which is neutral and polar, at codon 1032 of the BLM protein (p.Asn1032Tyr). This variant is not present in population databases (gnomAD no frequency). This variant has not been reported in the literature in individuals affected with BLM-related conditions. ClinVar contains an entry for this variant (Variation ID: 822852). Invitae Evidence Modeling of protein sequence and biophysical properties (such as structural, functional, and spatial information, amino acid conservation, physicochemical variation, residue mobility, and thermodynamic stability) indicates that this missense variant is expected to disrupt BLM protein function with a positive predictive value of 80%. In summary, the available evidence is currently insufficient to determine the role of this variant in disease. Therefore, it has been classified as a Variant of Uncertain Significance.

Ambry Genetics
Classification: Uncertain significance for Hereditary cancer-predisposing syndrome. Last evaluated: 2024-12-14. Review status: criteria provided, single submitter. Criteria: Ambry Variant Classification Scheme 2023. Collection method: clinical testing. Allele origin: germline.
Comment: The p.N1032Y variant (also known as c.3094A>T), located in coding exon 15 of the BLM gene, results from an A to T substitution at nucleotide position 3094. The asparagine at codon 1032 is replaced by tyrosine, an amino acid with dissimilar properties. This amino acid position is highly conserved in available vertebrate species. In addition, this alteration is predicted to be deleterious by in silico analysis. Since supporting evidence is limited at this time, the clinical significance of this alteration remains unclear.